The following is an entry in ClinVar:

NM_001031689.3(PLAA):c.1197+1G>C

Gene: PLAA (phospholipase A2 activating protein; minus strand). Cytogenetic location: 9p21.2.
Variant type: single nucleotide variant.
Coding change: c.1197+1G>C on transcript NM_001031689.3 (MANE Select); the canonical splice donor site of the intron after coding-DNA position 1197, G replaced by C.
Molecular consequence: splice donor variant.
Genome position (GRCh38, 1-based): chr9:26,920,226, C>G on the plus strand (G>C on the coding strand, the complement: PLAA is on the minus strand). VCF-style: chr9-26920226-C-G. GRCh37 (hg19) VCF-style: chr9-26920224-C-G.
Other names: c.1197+1G>C (NM_001321546.2).
Identifiers: ClinVar variation 2025307 (VCV002025307.4), dbSNP rs1824715873, ClinGen allele CA373132366.
Genomic context (GRCh38, chr9:26,920,226, plus strand): 5'-GAAACCTTTAATTTGCCTAATATTTAAGACAATAGTAATTAGAAAGTAGAAGTCGACATA[C>G]TTTCCCTTCATATAAAACTTTTCCAGATGTTTGCTGATTAGCACCAGATGAGCCAACAAC-3'

ClinVar aggregate classification (germline): Uncertain significance (1 of 4 stars; one submission).

Submission:

Labcorp Genetics (formerly Invitae), Labcorp
Classification: Uncertain significance. Last evaluated: 2023-11-28. Review status: criteria provided, single submitter. Criteria: Invitae Variant Classification Sherloc (09022015). Collection method: clinical testing. Allele origin: germline.
Comment: This sequence change affects a donor splice site in intron 8 of the PLAA gene. It is expected to disrupt RNA splicing. Variants that disrupt the donor or acceptor splice site typically lead to a loss of protein function (PMID: 16199547), however the current clinical and genetic evidence is not sufficient to establish whether loss-of-function variants in PLAA cause disease. This variant is not present in population databases (gnomAD no frequency). This variant has not been reported in the literature in individuals affected with PLAA-related conditions. ClinVar contains an entry for this variant (Variation ID: 2025307). Algorithms developed to predict the effect of sequence changes on RNA splicing suggest that this variant may disrupt the consensus splice site. In summary, the available evidence is currently insufficient to determine the role of this variant in disease. Therefore, it has been classified as a Variant of Uncertain Significance.

Literature cited by the submitters: PubMed 16199547.